The following is an entry in ClinVar:

NM_000548.5(TSC2):c.3106T>G (p.Ser1036Ala)

Gene: TSC2 (TSC complex subunit 2; plus strand). Cytogenetic location: 16p13.3.
Variant type: single nucleotide variant.
Coding change: c.3106T>G on transcript NM_000548.5 (MANE Select); coding-DNA position 3106, T replaced by G.
Protein change: p.Ser1036Ala; replaces serine 1036 with alanine.
Molecular consequence: missense variant.
Genome position (GRCh38, 1-based): chr16:2,079,171, T>G. VCF-style: chr16-2079171-T-G. GRCh37 (hg19) VCF-style: chr16-2129172-T-G.
Other names: p.S1036A:TCC>GCC; c.2974T>G, p.Ser992Ala (NM_001077183.3, NM_001370404.1); c.3106T>G, p.Ser1036Ala (NM_001114382.3); c.2866T>G, p.Ser956Ala (NM_001318827.2); c.2830T>G, p.Ser944Ala (NM_001318829.2); c.2374T>G, p.Ser792Ala (NM_001318831.2); c.3007T>G, p.Ser1003Ala (NM_001318832.2); c.2977T>G, p.Ser993Ala (NM_001363528.2, NM_001370405.1, NM_021055.3); short protein forms S1036A, S944A, S992A, S792A, S956A, S1003A, S993A.
Identifiers: ClinVar variation 207739 (VCV000207739.8), dbSNP rs45517281, ClinGen allele CA319496.
Genomic context (GRCh38, chr16:2,079,171, plus strand): 5'-AAAAACCTCCACCTGGAGCTCACGGAAACCTGTCTGGACATGATGGCTCGATACGTCTTC[T>G]CCAACTTCACGGCTGTCCCGAAGAGGTCCAGGCGGCACTACAGGGCTGGGCGGGCCTGCG-3'
Protein context (NP_000539.2, residues 1026-1046): CLDMMARYVF[Ser1036Ala]NFTAVPKRSP

ClinVar aggregate classification (germline): Uncertain significance. Review status: criteria provided, multiple submitters, no conflicts (2 of 4 stars). 3 submissions from 3 submitters: Uncertain significance (3). Last evaluated 2024-07-19.

Conditions:
Hereditary cancer-predisposing syndrome. Also called: Neoplastic Syndromes, Hereditary; Hereditary Cancer Syndrome; Tumor predisposition; Hereditary neoplastic syndrome. Identifiers: Orphanet 140162, MedGen C0027672, MeSH D009386, MONDO:0015356.
Tuberous sclerosis 2 (TSC2). Identifiers: Orphanet 805, MedGen C1860707, MONDO:0013199, OMIM 613254.

Submissions (3):

Labcorp Genetics (formerly Invitae), Labcorp
Classification: Uncertain significance for Tuberous sclerosis 2. Last evaluated: 2024-07-19. Review status: criteria provided, single submitter. Criteria: Invitae Variant Classification Sherloc (09022015). Collection method: clinical testing. Allele origin: germline.
Comment: This sequence change replaces serine, which is neutral and polar, with alanine, which is neutral and non-polar, at codon 1036 of the TSC2 protein (p.Ser1036Ala). This variant is not present in population databases (gnomAD no frequency). This variant has not been reported in the literature in individuals affected with TSC2-related conditions. ClinVar contains an entry for this variant (Variation ID: 207739). Advanced modeling of protein sequence and biophysical properties (such as structural, functional, and spatial information, amino acid conservation, physicochemical variation, residue mobility, and thermodynamic stability) performed at Invitae indicates that this missense variant is not expected to disrupt TSC2 protein function with a negative predictive value of 95%. In summary, the available evidence is currently insufficient to determine the role of this variant in disease. Therefore, it has been classified as a Variant of Uncertain Significance.

Ambry Genetics
Classification: Uncertain significance for Hereditary cancer-predisposing syndrome. Last evaluated: 2024-07-11. Review status: criteria provided, single submitter. Criteria: Ambry Variant Classification Scheme 2023. Collection method: clinical testing. Allele origin: germline.
Comment: The p.S1036A variant (also known as c.3106T>G), located in coding exon 26 of the TSC2 gene, results from a T to G substitution at nucleotide position 3106. The serine at codon 1036 is replaced by alanine, an amino acid with similar properties. This amino acid position is conserved. In addition, the in silico prediction for this alteration is inconclusive. Based on the available evidence, the clinical significance of this variant remains unclear.

GeneDx
Classification: Uncertain significance. Last evaluated: 2018-12-10. Review status: criteria provided, single submitter. Criteria: GeneDx Variant Classification (06012015). Collection method: clinical testing. Allele origin: germline. Affected: yes.
Comment: p.Ser1036Ala (TCC>GCC): c.3106 T>G in exon 27 of the TSC2 gene (NM_000548.3)The Ser1036Ala missense change has not been published as a mutation, nor has it been reported as a benign polymorphism to our knowledge. The NHLBI ESP Exome Variant Project has not identified Ser1036Ala in approximately 6,500 individuals of European or African American ethnicity, indicating that it is not a common benign variant in these populations. A different missense substitution at this same position (Ser1036Pro) has been reported in a family with seizures and mild features associated with tuberous sclerosis. This missense change was seen in both affected and unaffected family members, and only two of the affected individuals met clinical criteria for probable tuberous sclerosis (O'Connor et al., 2003). In vitro functional studies indicated that Ser1036Pro inactivates the TSC1-TSC2 complex without disrupting TSC1-TSC2 binding (Wentink et al., 2011; Hoogeveen-Westerveld et al., 2011). The Ser1036Ala amino acid substitution is non-conservative as a polar Serine residue is replaced by a non-polar Alanine residue. Ser1036Ala alters a conserved position in a region of the tuberin protein where other missense mutations have been reported in association with tuberous sclerosis. However, Ser1036Ala does not occur within known functional domains in which many pathogenic missense mutations have previously been identified (Northrup et al., 2011; Au et al., 2007). In addition, several in-silico algorithms predict it may be a benign change. Therefore, based on the currently available information, it is unclear whether Ser1036Ala is a disease-causing mutation or a rare benign variant. The variant is found in EPILEPSY panel(s).